The following is an entry in ClinVar:

ClinVar aggregate classification (germline): Uncertain significance (1 of 4 stars; one submission).

Conditions:
Microcephaly 17, primary, autosomal recessive (MCPH17). Identifiers: Orphanet 2512, MedGen C4310723, MONDO:0014908, OMIM 617090.

Allele frequency attached by ClinVar (database versions not stated): gnomAD exomes below 0.00001.
gnomAD v4.1: 1 of 1,612,128 alleles (0.000062%); highest among the groups gnomAD compares: Non-Finnish European, 0.000085%; no homozygotes.

Submission:

Baylor Genetics
Classification: Uncertain significance for Microcephaly 17, primary, autosomal recessive. Last evaluated: 2019-09-06. Review status: criteria provided, single submitter. Criteria: ACMG Guidelines, 2015. Collection method: clinical testing. Allele origin: unknown. Affected: yes.
Comment: This variant was determined to be of uncertain significance according to ACMG Guidelines, 2015 [PMID:25741868].

NM_001206999.2(CIT):c.3157-5T>G

Gene: CIT (citron rho-interacting serine/threonine kinase; minus strand). Cytogenetic location: 12q24.23.
Variant type: single nucleotide variant.
Coding change: c.3157-5T>G on transcript NM_001206999.2 (MANE Select); 5 bases into the intron before coding-DNA position 3157, T replaced by G.
Molecular consequence: intron variant.
Genome position (GRCh38, 1-based): chr12:119,734,362, A>C on the plus strand (T>G on the coding strand, the complement: CIT is on the minus strand). VCF-style: chr12-119734362-A-C. GRCh37 (hg19) VCF-style: chr12-120172167-A-C.
Other names: c.3031-5T>G (NM_007174.3).
Identifiers: ClinVar variation 1030299 (VCV001030299.1), dbSNP rs1958639710, ClinGen allele CA386550248.